The following is an entry in ClinVar:

ClinVar aggregate classification (germline): Conflicting classifications of pathogenicity. Review status: criteria provided, conflicting classifications (1 of 4 stars). 3 submissions from 3 submitters: Uncertain significance (1); Likely benign (2). Last evaluated 2025-06-25.

Conditions:
ADGRV1-related disorder. Also called: ADGRV1-related disorders; ADGRV1-related condition.

Allele frequency attached by ClinVar (database versions not stated): ExAC 0.00004; gnomAD exomes 0.00005; ESP Exome Variant Server 0.00008; gnomAD 0.00009 and 0.00010; TOPMed 0.00010.
gnomAD v4.1: 35 of 1,505,652 alleles (0.0023%); highest among the groups gnomAD compares: African/African-American, 0.03%; no homozygotes.

Submissions (3):

PreventionGenetics, part of Exact Sciences
Classification: Likely benign for ADGRV1-related condition. Last evaluated: 2025-06-25. Review status: criteria provided, single submitter. Criteria: ACMG Guidelines, 2015. Collection method: clinical testing. Allele origin: germline.
Comment: This variant is classified as likely benign based on ACMG/AMP sequence variant interpretation guidelines (Richards et al. 2015 PMID: 25741868, with internal and published modifications).

Women's Health and Genetics/Laboratory Corporation of America, LabCorp
Classification: Uncertain significance. Last evaluated: 2024-11-18. Review status: criteria provided, single submitter. Criteria: LabCorp Variant Classification Summary - May 2015. Collection method: clinical testing. Allele origin: germline.
Comment: Variant summary: ADGRV1 c.12286-10T>C alters a nucleotide located at a position not widely known to affect splicing. Several computational tools predict a significant impact on normal splicing: One predict the variant weakens a 5' donor site. One predict the variant abolishes a 5' splicing donor site. However, these predictions have yet to be confirmed by functional studies. The variant allele was found at a frequency of 4.7e-05 in 235972 control chromosomes. This frequency is not significantly higher than estimated for a pathogenic variant in ADGRV1 causing ADGRV1-Related Disorders, allowing no conclusion about variant significance. To our knowledge, no occurrence of c.12286-10T>C in individuals affected with ADGRV1-Related Disorders and no experimental evidence demonstrating its impact on protein function have been reported. ClinVar contains an entry for this variant (Variation ID: 959074). Based on the evidence outlined above, the variant was classified as uncertain significance.

Labcorp Genetics (formerly Invitae), Labcorp
Classification: Likely benign. Last evaluated: 2024-10-21. Review status: criteria provided, single submitter. Criteria: Invitae Variant Classification Sherloc (09022015). Collection method: clinical testing. Allele origin: germline.

NM_032119.4(ADGRV1):c.12286-10T>C

Gene: ADGRV1 (adhesion G protein-coupled receptor V1; plus strand). Cytogenetic location: 5q14.3.
Variant type: single nucleotide variant.
Coding change: c.12286-10T>C on transcript NM_032119.4 (MANE Select); 10 bases into the intron before coding-DNA position 12286, T replaced by C.
Molecular consequence: intron variant.
Genome position (GRCh38, 1-based): chr5:90,774,176, T>C. VCF-style: chr5-90774176-T-C. GRCh37 (hg19) VCF-style: chr5-90069993-T-C.
Identifiers: ClinVar variation 959074 (VCV000959074.9), dbSNP rs368395113, ClinGen allele CA3341206.
Genomic context (GRCh38, chr5:90,774,176, plus strand): 5'-GCTAATGACAACATTCAAACTTTGGCTTTGGTCAATCTGGAAAATGCACTGTTTCTGTCA[T>C]TGGATGTAGACTGAGTCCCAGAAGACCATTGTGTTGCACACACTTCAAGACACAGTGTTG-3'